The following is an entry in ClinVar:

NM_004380.3(CREBBP):c.6630G>C (p.Gln2210His)

Gene: CREBBP (CREB binding lysine acetyltransferase; minus strand). Cytogenetic location: 16p13.3.
Variant type: single nucleotide variant.
Coding change: c.6630G>C on transcript NM_004380.3 (MANE Select); coding-DNA position 6630, G replaced by C.
Protein change: p.Gln2210His; replaces glutamine 2210 with histidine.
Molecular consequence: missense variant.
Genome position (GRCh38, 1-based): chr16:3,728,417, C>G on the plus strand (G>C on the coding strand, the complement: CREBBP is on the minus strand). VCF-style: chr16-3728417-C-G. GRCh37 (hg19) VCF-style: chr16-3778418-C-G.
Other names: c.6516G>C, p.Gln2172His (NM_001079846.1); short protein forms Q2172H, Q2210H.
Identifiers: ClinVar variation 3356229 (VCV003356229.1).

ClinVar aggregate classification (germline): Likely benign (0 of 4 stars; one submission).

Conditions:
CREBBP-related disorder. Also called: CREBBP-related condition; CREBBP-related disorders.

gnomAD v4.1: 75 of 1,613,124 alleles (0.0046%); highest among the groups gnomAD compares: Non-Finnish European, 0.0033%; no homozygotes.

Submission:

PreventionGenetics, part of Exact Sciences
Classification: Likely benign for CREBBP-related condition. Last evaluated: 2023-05-10. Review status: no assertion criteria provided. Collection method: clinical testing. Allele origin: germline.
Comment: This variant is classified as likely benign based on ACMG/AMP sequence variant interpretation guidelines (Richards et al. 2015 PMID: 25741868, with internal and published modifications).